The following is an entry in ClinVar:

NM_024422.6(DSC2):c.2045A>T (p.Asp682Val)

Gene: DSC2 (desmocollin 2; minus strand). Cytogenetic location: 18q12.1.
Variant type: single nucleotide variant.
Coding change: c.2045A>T on transcript NM_024422.6 (MANE Select); coding-DNA position 2045, A replaced by T.
Protein change: p.Asp682Val; replaces aspartic acid 682 with valine.
Molecular consequence: missense variant.
Genome position (GRCh38, 1-based): chr18:31,071,685, T>A on the plus strand (A>T on the coding strand, the complement: DSC2 is on the minus strand). VCF-style: chr18-31071685-T-A. GRCh37 (hg19) VCF-style: chr18-28651651-T-A.
Other names: c.1616A>T, p.Asp539Val (NM_001406506.1, NM_001406507.1); c.2045A>T, p.Asp682Val (NM_004949.5); short protein forms D682V, D539V.
Identifiers: ClinVar variation 3013422 (VCV003013422.3), dbSNP rs1364189206, ClinGen allele CA402112999.

ClinVar aggregate classification (germline): Uncertain significance (1 of 4 stars; one submission).

Conditions:
Arrhythmogenic right ventricular dysplasia 11. Also called: ARRHYTHMOGENIC RIGHT VENTRICULAR DYSPLASIA, FAMILIAL, 11; Arrhythmogenic Right Ventricular Dysplasia/Cardiomyopathy11; Arrhythmogenic right ventricular dysplasia 11 with mild palmoplantar keratoderma and woolly hair. Identifiers: MedGen C1864850, MONDO:0012506, OMIM 610476.

Allele frequency attached by ClinVar (database versions not stated): gnomAD 0.00001; gnomAD exomes below 0.00001; TOPMed below 0.00001.
gnomAD v4.1: 3 of 1,614,018 alleles (0.00019%); highest among the groups gnomAD compares: Non-Finnish European, 0.00017%; no homozygotes.

Submission:

Labcorp Genetics (formerly Invitae), Labcorp
Classification: Uncertain significance for Arrhythmogenic right ventricular dysplasia 11. Last evaluated: 2025-06-15. Review status: criteria provided, single submitter. Criteria: Invitae Variant Classification Sherloc (09022015). Collection method: clinical testing. Allele origin: germline.
Comment: This sequence change replaces aspartic acid, which is acidic and polar, with valine, which is neutral and non-polar, at codon 682 of the DSC2 protein (p.Asp682Val). This variant is not present in population databases (gnomAD no frequency). This variant has not been reported in the literature in individuals affected with DSC2-related conditions. ClinVar contains an entry for this variant (Variation ID: 3013422). An algorithm developed to predict the effect of missense changes on protein structure and function outputs the following: PolyPhen-2: "Benign". The valine amino acid residue is found in multiple mammalian species, which suggests that this missense change does not adversely affect protein function. In summary, the available evidence is currently insufficient to determine the role of this variant in disease. Therefore, it has been classified as a Variant of Uncertain Significance.